The following is an entry in ClinVar:

NM_015665.6(AAAS):c.689+1G>A

Gene: AAAS (aladin WD repeat nucleoporin; minus strand). Cytogenetic location: 12q13.13.
Variant type: single nucleotide variant.
Coding change: c.689+1G>A on transcript NM_015665.6 (MANE Select); the canonical splice donor site of the intron after coding-DNA position 689, G replaced by A.
Molecular consequence: splice donor variant.
Genome position (GRCh38, 1-based): chr12:53,314,297, C>T on the plus strand (G>A on the coding strand, the complement: AAAS is on the minus strand). VCF-style: chr12-53314297-C-T. GRCh37 (hg19) VCF-style: chr12-53708081-C-T.
Other names: c.590+1G>A (NM_001173466.2).
Identifiers: ClinVar variation 2915478 (VCV002915478.3), dbSNP rs1245310422, ClinGen allele CA385042850.

ClinVar aggregate classification (germline): Likely pathogenic (1 of 4 stars; one submission).

Submission:

Labcorp Genetics (formerly Invitae), Labcorp
Classification: Likely pathogenic. Last evaluated: 2023-09-29. Review status: criteria provided, single submitter. Criteria: Invitae Variant Classification Sherloc (09022015). Collection method: clinical testing. Allele origin: germline.
Comment: In summary, the currently available evidence indicates that the variant is pathogenic, but additional data are needed to prove that conclusively. Therefore, this variant has been classified as Likely Pathogenic. This sequence change affects a donor splice site in intron 7 of the AAAS gene. It is expected to disrupt RNA splicing. Variants that disrupt the donor or acceptor splice site typically lead to a loss of protein function (PMID: 16199547), and loss-of-function variants in AAAS are known to be pathogenic (PMID: 11159947). This variant is not present in population databases (gnomAD no frequency). Disruption of this splice site has been observed in individual(s) with clinical features of triple A syndrome (PMID: 23926405, 34258490). This variant is also known as IVS7+1 G>A. Algorithms developed to predict the effect of sequence changes on RNA splicing suggest that this variant may disrupt the consensus splice site.

Literature cited by the submitters: PubMed 16199547; PubMed 11159947; PubMed 23926405; PubMed 34258490.